The following is an entry in ClinVar:

NM_203446.3(SYNJ1):c.3484A>G (p.Lys1162Glu)

Gene: SYNJ1 (synaptojanin 1; minus strand). Cytogenetic location: 21q22.11.
Variant type: single nucleotide variant.
Coding change: c.3484A>G on transcript NM_203446.3 (MANE Select); coding-DNA position 3484, A replaced by G.
Protein change: p.Lys1162Glu; replaces lysine 1162 with glutamic acid.
Molecular consequence: missense variant. On other transcripts: intron variant (1).
Genome position (GRCh38, 1-based): chr21:32,642,128, T>C on the plus strand (A>G on the coding strand, the complement: SYNJ1 is on the minus strand). VCF-style: chr21-32642128-T-C. GRCh37 (hg19) VCF-style: chr21-34014438-T-C.
Other names: c.3436A>G, p.Lys1146Glu (NM_001160302.2); c.3601A>G, p.Lys1201Glu (NM_003895.4); c.3377-162A>G (NM_001160306.2); short protein forms K1146E, K1162E, K1201E.
Identifiers: ClinVar variation 2059110 (VCV002059110.4), dbSNP rs2517395409, ClinGen allele CA410066407.
Genomic context (GRCh38, chr21:32,642,128, plus strand): 5'-TGAATAGCTACATTCAAGTGTTTTTACCTATATTATCTTTCCTTGTTGTTCCAGGGCTTT[T>C]GGGTGCTTTGAAGCAAGAAGGGAAAAAAAAATTAGTTGTAAGTTAACAATTAAGCAATAT-3'
Protein context (NP_982271.3, residues 1152-1172): GVARREMEAP[Lys1162Glu]SPGTTRKDNI

ClinVar aggregate classification (germline): Uncertain significance (1 of 4 stars; one submission).

Conditions:
Developmental and epileptic encephalopathy, 53. Also called: Epileptic encephalopathy, early infantile, 53. Identifiers: MedGen C4479313, MONDO:0033362, OMIM 617389.
Early-onset Parkinson disease 20. Also called: PARKINSON DISEASE 20, AUTOSOMAL RECESSIVE EARLY-ONSET. Identifiers: Orphanet 391411, MedGen C3809824, MONDO:0014233, OMIM 615530.

Submission:

Labcorp Genetics (formerly Invitae), Labcorp
Classification: Uncertain significance for Developmental and epileptic encephalopathy, 53; Early-onset Parkinson disease 20. Last evaluated: 2021-12-24. Review status: criteria provided, single submitter. Criteria: Invitae Variant Classification Sherloc (09022015). Collection method: clinical testing. Allele origin: germline.
Comment: In summary, the available evidence is currently insufficient to determine the role of this variant in disease. Therefore, it has been classified as a Variant of Uncertain Significance. This sequence change replaces lysine, which is basic and polar, with glutamic acid, which is acidic and polar, at codon 1201 of the SYNJ1 protein (p.Lys1201Glu). This variant is not present in population databases (gnomAD no frequency). This variant has not been reported in the literature in individuals affected with SYNJ1-related conditions. Algorithms developed to predict the effect of missense changes on protein structure and function are either unavailable or do not agree on the potential impact of this missense change (SIFT: "Deleterious"; PolyPhen-2: "Benign"; Align-GVGD: "Class C0").